The following is an entry in ClinVar:

NM_015662.3(IFT172):c.424A>G (p.Thr142Ala)

Gene: IFT172 (intraflagellar transport 172; minus strand). Cytogenetic location: 2p23.3.
Variant type: single nucleotide variant.
Coding change: c.424A>G on transcript NM_015662.3 (MANE Select); coding-DNA position 424, A replaced by G.
Protein change: p.Thr142Ala; replaces threonine 142 with alanine.
Molecular consequence: missense variant.
Genome position (GRCh38, 1-based): chr2:27,483,638, T>C on the plus strand (A>G on the coding strand, the complement: IFT172 is on the minus strand). VCF-style: chr2-27483638-T-C. GRCh37 (hg19) VCF-style: chr2-27706505-T-C.
Other names: c.424A>G, p.Thr142Ala (NM_001410739.1); short protein forms T142A.
Identifiers: ClinVar variation 4993644 (VCV004993644.1).
Genomic context (GRCh38, chr2:27,483,638, plus strand): 5'-ACTTTGTTGTCAGGGACACCACGTAAGACTCTGTCCCATAGATGGTAGATGATTTATTAG[T>C]TTTGGTGTTTGCTAAACGAACCTGAAAATGGAAAAATTGATACAAGTATGGTTAGGCTAT-3'
Protein context (NP_056477.1, residues 132-152): EGKVRLANTK[Thr142Ala]NKSSTIYGTE

ClinVar aggregate classification (germline): Uncertain significance (1 of 4 stars; one submission).

Conditions:
IFT172-related disorder. Also called: IFT172-related condition; IFT172-related disorders.

Submission:

PreventionGenetics, part of Exact Sciences
Classification: Uncertain significance for IFT172-related condition. Last evaluated: 2025-09-25. Review status: criteria provided, single submitter. Criteria: ACMG Guidelines, 2015. Collection method: clinical testing. Allele origin: germline.
Comment: The IFT172 c.424A>G variant is predicted to result in the amino acid substitution p.Thr142Ala. To our knowledge, this variant has not been reported in the literature or in a large population database (gnomAD), indicating this variant is rare. At this time, the clinical significance of this variant is uncertain due to the absence of conclusive functional and genetic evidence.